The following is an entry in ClinVar:

NM_013339.4(ALG6):c.665G>A (p.Gly222Asp)

Gene: ALG6 (ALG6 alpha-1,3-glucosyltransferase; plus strand). Cytogenetic location: 1p31.3.
Variant type: single nucleotide variant.
Coding change: c.665G>A on transcript NM_013339.4 (MANE Select); coding-DNA position 665, G replaced by A.
Protein change: p.Gly222Asp; replaces glycine 222 with aspartic acid.
Molecular consequence: missense variant.
Genome position (GRCh38, 1-based): chr1:63,411,316, G>A. VCF-style: chr1-63411316-G-A. GRCh37 (hg19) VCF-style: chr1-63876987-G-A.
Other names: short protein forms G222D.
Identifiers: ClinVar variation 739743 (VCV000739743.16), dbSNP rs532466353, ClinGen allele CA888213.

ClinVar aggregate classification (germline): Likely benign. Review status: criteria provided, single submitter (1 of 4 stars). 3 submissions from 3 submitters: Likely benign (1). 2 of the submissions do not count toward it. Last evaluated 2026-01-21.

Conditions:
ALG6-congenital disorder of glycosylation 1C (CDG1C). Also called: CDG Ic; Congenital disorder of glycosylation, type Ic; CARBOHYDRATE-DEFICIENT GLYCOPROTEIN SYNDROME, TYPE I, WITH DEFICIENT GLYCOSYLATION OF DOLICHOL-LINKED OLIGOSACCHARIDE; CARBOHYDRATE-DEFICIENT GLYCOPROTEIN SYNDROME, TYPE V; Congenital disorder of glycosylation type 1C. Identifiers: Orphanet 79320, MedGen C2930997, MONDO:0011291, OMIM 603147.
ALG6-related disorder. Also called: ALG6-related condition.

Allele frequency attached by ClinVar (database versions not stated): TOPMed 0.00002; gnomAD 0.00006; ExAC 0.00048; 1000 Genomes Project 0.00060; 1000 Genomes Project 30x 0.00062.
gnomAD v4.1: 333 of 1,613,656 alleles (0.021%); highest among the groups gnomAD compares: South Asian, 0.34%; 3 homozygotes.

Submissions (3):

Labcorp Genetics (formerly Invitae), Labcorp
Classification: Likely benign for ALG6-congenital disorder of glycosylation 1C. Last evaluated: 2026-01-21. Review status: criteria provided, single submitter. Criteria: Invitae Variant Classification Sherloc (09022015). Collection method: clinical testing. Allele origin: germline.

PreventionGenetics, part of Exact Sciences
Classification: Likely benign for ALG6-related condition. Last evaluated: 2023-06-23. Review status: no assertion criteria provided. Collection method: clinical testing. Allele origin: germline. Not counted in ClinVar's aggregate classification.
Comment: This variant is classified as likely benign based on ACMG/AMP sequence variant interpretation guidelines (Richards et al. 2015 PMID: 25741868, with internal and published modifications).

Natera, Inc.
Classification: Likely benign for Congenital disorder of glycosylation type 1c. Last evaluated: 2020-01-20. Review status: no assertion criteria provided. Collection method: clinical testing. Allele origin: germline. Not counted in ClinVar's aggregate classification.